The following is an entry in ClinVar:

NM_199355.4(ADAMTS18):c.2712A>C (p.Gln904His)

Gene: ADAMTS18 (ADAM metallopeptidase with thrombospondin type 1 motif 18; minus strand). Cytogenetic location: 16q23.1.
Variant type: single nucleotide variant.
Coding change: c.2712A>C on transcript NM_199355.4 (MANE Select); coding-DNA position 2712, A replaced by C.
Protein change: p.Gln904His; replaces glutamine 904 with histidine.
Molecular consequence: missense variant.
Genome position (GRCh38, 1-based): chr16:77,297,378, T>G on the plus strand (A>C on the coding strand, the complement: ADAMTS18 is on the minus strand). VCF-style: chr16-77297378-T-G. GRCh37 (hg19) VCF-style: chr16-77331275-T-G.
Other names: c.2196A>C, p.Gln732His (NM_001326358.2); short protein forms Q904H, Q732H.
Identifiers: ClinVar variation 964934 (VCV000964934.5), dbSNP rs1234503295, ClinGen allele CA396834251.

ClinVar aggregate classification (germline): Uncertain significance (1 of 4 stars; one submission).

Allele frequency attached by ClinVar (database versions not stated): gnomAD 0.00001; TOPMed 0.00001.

Submission:

Labcorp Genetics (formerly Invitae), Labcorp
Classification: Uncertain significance. Last evaluated: 2022-08-09. Review status: criteria provided, single submitter. Criteria: Invitae Variant Classification Sherloc (09022015). Collection method: clinical testing. Allele origin: germline.
Comment: This sequence change replaces glutamine, which is neutral and polar, with histidine, which is basic and polar, at codon 904 of the ADAMTS18 protein (p.Gln904His). This variant is present in population databases (no rsID available, gnomAD 0.007%). This variant has not been reported in the literature in individuals affected with ADAMTS18-related conditions. ClinVar contains an entry for this variant (Variation ID: 964934). Algorithms developed to predict the effect of missense changes on protein structure and function output the following: SIFT: "Not Available"; PolyPhen-2: "Benign"; Align-GVGD: "Not Available". The histidine amino acid residue is found in multiple mammalian species, which suggests that this missense change does not adversely affect protein function. In summary, the available evidence is currently insufficient to determine the role of this variant in disease. Therefore, it has been classified as a Variant of Uncertain Significance.